The following is an entry in ClinVar:

ClinVar aggregate classification (germline): Pathogenic (1 of 4 stars; one submission).

Submission:

Labcorp Genetics (formerly Invitae), Labcorp
Classification: Pathogenic. Last evaluated: 2024-09-23. Review status: criteria provided, single submitter. Criteria: Invitae Variant Classification Sherloc (09022015). Collection method: clinical testing. Allele origin: germline.
Comment: This sequence change creates a premature translational stop signal (p.Lys247*) in the MBD4 gene. It is expected to result in an absent or disrupted protein product. Loss-of-function variants in MBD4 are known to be pathogenic (PMID: 30049810, 35460607). This variant is not present in population databases (gnomAD no frequency). This variant has not been reported in the literature in individuals affected with MBD4-related conditions. For these reasons, this variant has been classified as Pathogenic.

Literature cited by the submitters: PubMed 30049810; PubMed 35460607.

NM_001276270.2(MBD4):c.739A>T (p.Lys247Ter)

Gene: MBD4 (methyl-CpG binding domain 4, DNA glycosylase; minus strand). Cytogenetic location: 3q21.3.
Variant type: single nucleotide variant.
Coding change: c.739A>T on transcript NM_001276270.2 (MANE Select); coding-DNA position 739, A replaced by T.
Protein change: p.Lys247Ter; replaces lysine 247 with a stop codon.
Molecular consequence: nonsense. On other transcripts: intron variant (1).
Genome position (GRCh38, 1-based): chr3:129,436,905, T>A on the plus strand (A>T on the coding strand, the complement: MBD4 is on the minus strand). VCF-style: chr3-129436905-T-A. GRCh37 (hg19) VCF-style: chr3-129155748-T-A.
Other names: c.739A>T, p.Lys247Ter (NM_003925.3, NM_001276271.2, NM_001276272.2); c.247+903A>T (NM_001276273.2); short protein forms K247*.
Identifiers: ClinVar variation 3721352 (VCV003721352.2).